The following is an entry in ClinVar:

NM_001715.3(BLK):c.1075C>T (p.Arg359Cys)

Gene: BLK (BLK proto-oncogene, Src family tyrosine kinase). Cytogenetic location: 8p23.1.
Variant type: single nucleotide variant.
Coding change: c.1075C>T on transcript NM_001715.3 (MANE Select); coding-DNA position 1075, C replaced by T.
Protein change: p.Arg359Cys; replaces arginine 359 with cysteine.
Molecular consequence: missense variant.
Genome position (GRCh38, 1-based): chr8:11,561,347, C>T. VCF-style: chr8-11561347-C-T. GRCh37 (hg19) VCF-style: chr8-11418856-C-T.
Other names: p.R359C; c.862C>T, p.Arg288Cys (NM_001330465.2); short protein forms R359C, R288C.
Identifiers: ClinVar variation 619205 (VCV000619205.19), dbSNP rs146505280, ClinGen allele CA4630364.

ClinVar aggregate classification (germline): Conflicting classifications of pathogenicity. Review status: criteria provided, conflicting classifications (1 of 4 stars). 10 submissions from 10 submitters: Uncertain significance (2); Benign (1); Likely benign (4). 3 of the submissions do not count toward it. Last evaluated 2025-12-20.

Conditions:
Maturity-onset diabetes of the young type 11. Identifiers: Orphanet 552, MedGen C3150618, MONDO:0013242, OMIM 613375.
Monogenic diabetes. Identifiers: Orphanet 183625, MedGen C3888631, MONDO:0015967.
Systemic lupus erythematosus (SLE). Identifiers: Orphanet 536, MedGen C0024141, MONDO:0007915, OMIM 152700, HP:0002725.
BLK-related disorder. Also called: BLK-related condition.

Allele frequency attached by ClinVar (database versions not stated): gnomAD 0.00059 and 0.00067; TOPMed 0.00061; ESP Exome Variant Server 0.00077; gnomAD exomes 0.00086; ExAC 0.00095; 1000 Genomes Project 30x 0.00156; 1000 Genomes Project 0.00160.

Submissions (10):

Labcorp Genetics (formerly Invitae), Labcorp
Classification: Likely benign. Last evaluated: 2025-12-20. Review status: criteria provided, single submitter. Criteria: Invitae Variant Classification Sherloc (09022015). Collection method: clinical testing. Allele origin: germline.

GeneDx
Classification: Uncertain significance. Last evaluated: 2025-03-25. Review status: criteria provided, single submitter. Criteria: GeneDx Variant Classification Process June 2021. Collection method: clinical testing. Allele origin: germline. Affected: yes.
Comment: In silico analysis supports that this missense variant has a deleterious effect on protein structure/function; Variants in candidate genes are classified as variants of uncertain significance in accordance with ACMG guidelines (PMID: 25741868); This variant is associated with the following publications: (PMID: 31589614, 31101814, Gven_2018_ABSTRACT, 32041611, 35643372, 31264968)

Blueprint Genetics
Classification: Likely benign. Last evaluated: 2024-11-08. Review status: criteria provided, single submitter. Criteria: ACMG Guidelines, 2015. Collection method: clinical testing. Allele origin: germline.

Mendelics
Classification: Benign. Last evaluated: 2022-05-04. Review status: criteria provided, single submitter. Criteria: Mendelics Assertion Criteria 2019. Collection method: clinical testing. Allele origin: germline.

Department of Pathology and Laboratory Medicine, Sinai Health System
Classification: Uncertain significance for monogenic diabetes. Last evaluated: 2021-11-09. Review status: criteria provided, single submitter. Criteria: ACMG Guidelines, 2015. Collection method: research. Allele origin: germline.

Fulgent Genetics
Classification: Likely benign for Maturity-onset diabetes of the young type 11. Last evaluated: 2021-07-21. Review status: criteria provided, single submitter. Criteria: ACMG Guidelines, 2015. Collection method: clinical testing. Allele origin: unknown.

Illumina Laboratory Services, Illumina
Classification: Likely benign for Maturity-onset diabetes of the young type 11. Last evaluated: 2018-01-13. Review status: criteria provided, single submitter. Criteria: ICSL Variant Classification Criteria 13 December 2019. Collection method: clinical testing. Allele origin: germline.
Comment: This variant was observed in the ICSL laboratory as part of a predisposition screen in an ostensibly healthy population. It had not been previously curated by ICSL or reported in the Human Gene Mutation Database (HGMD: prior to June 1st, 2018), and was therefore a candidate for classification through an automated scoring system. Utilizing variant allele frequency, disease prevalence and penetrance estimates, and inheritance mode, an automated score was calculated to assess if this variant is too frequent to cause the disease. Based on the score and internal cut-off values, a variant classified as likely benign is not then subjected to further curation. The score for this variant resulted in a classification of likely benign for this disease.

Undiagnosed Diseases Network, NIH
Classification: Likely pathogenic for BLK related condition. Last evaluated: 2023-07-26. Review status: no assertion criteria provided. Collection method: clinical testing. Allele origin: inherited. Affected: yes. Observed: 2 variant alleles, 2 heterozygotes. Clinical features observed: Lupus nephritis (HP:0033726). Study: Undiagnosed Diseases Network (NIH), UDN. Not counted in ClinVar's aggregate classification.

PreventionGenetics, part of Exact Sciences
Classification: Likely benign for BLK-related condition. Last evaluated: 2019-07-16. Review status: no assertion criteria provided. Collection method: clinical testing. Allele origin: germline. Not counted in ClinVar's aggregate classification.
Comment: This variant is classified as likely benign based on ACMG/AMP sequence variant interpretation guidelines (Richards et al. 2015 PMID: 25741868, with internal and published modifications).

Carola Vinuesa Lab, John Curtin School of Medical Research
Classification: Pathogenic for Systemic lupus erythematosus. Review status: no assertion criteria provided. Collection method: research. Allele origin: germline. Affected: yes. Not counted in ClinVar's aggregate classification.